The following is an entry in ClinVar:

NM_178138.6(LHX3):c.79+1979C>G

Gene: LHX3 (LIM homeobox 3; minus strand). Cytogenetic location: 9q34.3.
Variant type: single nucleotide variant.
Coding change: c.79+1979C>G on transcript NM_178138.6 (MANE Select); 1979 bases into the intron after coding-DNA position 79, C replaced by G.
Molecular consequence: intron variant. On other transcripts: missense variant (1).
Genome position (GRCh38, 1-based): chr9:136,202,955, G>C on the plus strand (C>G on the coding strand, the complement: LHX3 is on the minus strand). VCF-style: chr9-136202955-G-C. GRCh37 (hg19) VCF-style: chr9-139094801-G-C.
Other names: c.85C>G, p.Leu29Val (NM_014564.5); short protein forms L29V.
Identifiers: ClinVar variation 2027335 (VCV002027335.4), dbSNP rs2131039731, ClinGen allele CA375521419.
Genomic context (GRCh38, chr9:136,202,955, plus strand): 5'-CCTGAGGATCTCCTGGTCTCCCCGGTGCAGCCACTCGGCCCGGGCACCCACCTCGGCGCA[G>C]GTCCGCCCTCCGCGCCAGCAGTGCTAGCAGCAGGTCGCCTCCCGCCGACTCCCGGGCCGG-3'

ClinVar aggregate classification (germline): Uncertain significance (1 of 4 stars; one submission).

Submission:

Labcorp Genetics (formerly Invitae), Labcorp
Classification: Uncertain significance. Last evaluated: 2022-08-13. Review status: criteria provided, single submitter. Criteria: Invitae Variant Classification Sherloc (09022015). Collection method: clinical testing. Allele origin: germline.
Comment: This sequence change replaces leucine, which is neutral and non-polar, with valine, which is neutral and non-polar, at codon 29 of the LHX3 protein (p.Leu29Val). This variant is not present in population databases (gnomAD no frequency). This variant has not been reported in the literature in individuals affected with LHX3-related conditions. Algorithms developed to predict the effect of missense changes on protein structure and function are either unavailable or do not agree on the potential impact of this missense change (SIFT: "Not Available"; PolyPhen-2: "Benign"; Align-GVGD: "Not Available"). In summary, the available evidence is currently insufficient to determine the role of this variant in disease. Therefore, it has been classified as a Variant of Uncertain Significance.